The following is an entry in ClinVar:

NM_004519.4(KCNQ3):c.386+254G>T

Gene: KCNQ3 (potassium voltage-gated channel subfamily Q member 3; minus strand). Cytogenetic location: 8q24.22.
Variant type: single nucleotide variant.
Coding change: c.386+254G>T on transcript NM_004519.4 (MANE Select); 254 bases into the intron after coding-DNA position 386, G replaced by T.
Molecular consequence: intron variant.
Genome position (GRCh38, 1-based): chr8:132,479,893, C>A on the plus strand (G>T on the coding strand, the complement: KCNQ3 is on the minus strand). VCF-style: chr8-132479893-C-A. GRCh37 (hg19) VCF-style: chr8-133492140-C-A.
Identifiers: ClinVar variation 668927 (VCV000668927.1), dbSNP rs148660380, ClinGen allele CA186258289.

ClinVar aggregate classification (germline): Likely benign (1 of 4 stars; one submission).

Allele frequency attached by ClinVar (database versions not stated): 1000 Genomes Project 0.00739; 1000 Genomes Project 30x 0.00796; TOPMed 0.01287; gnomAD 0.01503 and 0.01528.
gnomAD v4.1: 2,262 of 151,140 alleles (1.5%); highest among the groups gnomAD compares: Non-Finnish European, 2.3%; 23 homozygotes.

Submission:

GeneDx
Classification: Likely benign. Last evaluated: 2018-06-14. Review status: criteria provided, single submitter. Criteria: GeneDx Variant Classification (06012015). Collection method: clinical testing. Allele origin: germline. Affected: yes.
Comment: This variant is considered likely benign or benign based on one or more of the following criteria: it is a conservative change, it occurs at a poorly conserved position in the protein, it is predicted to be benign by multiple in silico algorithms, and/or has population frequency not consistent with disease.